The following is an entry in ClinVar:

NM_002732.4(PRKACG):c.887A>G (p.Lys296Arg)

Gene: PRKACG (protein kinase cAMP-activated catalytic subunit gamma; minus strand). Cytogenetic location: 9q21.11.
Variant type: single nucleotide variant.
Coding change: c.887A>G on transcript NM_002732.4 (MANE Select); coding-DNA position 887, A replaced by G.
Protein change: p.Lys296Arg; replaces lysine 296 with arginine.
Molecular consequence: missense variant.
Genome position (GRCh38, 1-based): chr9:69,013,206, T>C on the plus strand (A>G on the coding strand, the complement: PRKACG is on the minus strand). VCF-style: chr9-69013206-T-C. GRCh37 (hg19) VCF-style: chr9-71628122-T-C.
Other names: p.Lys296Arg; short protein forms K296R.
Identifiers: ClinVar variation 2393888 (VCV002393888.5), dbSNP rs146127115, ClinGen allele CA5072416.

ClinVar aggregate classification (germline): Uncertain significance. Review status: criteria provided, multiple submitters, no conflicts (2 of 4 stars). 3 submissions from 3 submitters: Uncertain significance (3). Last evaluated 2025-05-06.

Allele frequency attached by ClinVar (database versions not stated): ExAC 0.00009; gnomAD 0.00011; TOPMed 0.00014; ESP Exome Variant Server 0.00015; gnomAD exomes 0.00029.
gnomAD v4.1: 441 of 1,613,982 alleles (0.027%); highest among the groups gnomAD compares: Non-Finnish European, 0.035%; no homozygotes.

Submissions (3):

Ambry Genetics
Classification: Uncertain significance. Last evaluated: 2025-05-06. Review status: criteria provided, single submitter. Criteria: Ambry Variant Classification Scheme 2023. Collection method: clinical testing. Allele origin: germline.

Blueprint Genetics
Classification: Uncertain significance. Last evaluated: 2024-11-07. Review status: criteria provided, single submitter. Criteria: ACMG Guidelines, 2015. Collection method: clinical testing. Allele origin: germline.

Mayo Clinic Laboratories, Mayo Clinic
Classification: Uncertain significance. Last evaluated: 2024-07-22. Review status: criteria provided, single submitter. Criteria: ACMG Guidelines, 2015. Collection method: clinical testing. Allele origin: germline. Observed: 1 variant allele.
Comment: BP4, PM1_supporting